The following is an entry in ClinVar:

ClinVar aggregate classification (germline): Uncertain significance. Review status: criteria provided, multiple submitters, no conflicts (2 of 4 stars). 5 submissions from 5 submitters: Uncertain significance (5). Last evaluated 2024-12-02.

Conditions:
Autosomal recessive spinocerebellar ataxia 12. Also called: SPINOCEREBELLAR ATAXIA WITH MENTAL RETARDATION AND EPILEPSY. Identifiers: Orphanet 284282, MedGen C3280452, MONDO:0013687, OMIM 614322.
Developmental and epileptic encephalopathy, 1 (DEE1). Also called: INFANTILE SPASM SYNDROME, X-LINKED 1; Epileptic encephalopathy, early infantile, 1; X-linked infantile spasms; West's syndrome; Tonic spasms with clustering, arrest of psychomotor development and hypsarrhythmia on EEG; X-Linked Infantile Spasm Syndrome. Identifiers: MedGen C3463992, MONDO:0010632, OMIM 308350. Disease mechanism: loss of function.
Developmental and epileptic encephalopathy, 28 (DEE28). Also called: Epileptic encephalopathy, early infantile, 28. Identifiers: Orphanet 442835, MedGen C4015519, MONDO:0014533, OMIM 616211.
Malignant tumor of esophagus. Also called: Esophageal cancer, somatic; Esophageal cancer. Identifiers: Orphanet 99977, MedGen C0546837, MONDO:0007576, OMIM 133239.
Inborn genetic diseases. Identifiers: MedGen C0950123, MeSH D030342.

Allele frequency attached by ClinVar (database versions not stated): TOPMed 0.00004; ExAC 0.00002.
gnomAD v4.1: 39 of 1,613,952 alleles (0.0024%); highest among the groups gnomAD compares: African/African-American, 0.0053%; no homozygotes.

Submissions (5):

GeneDx
Classification: Uncertain significance. Last evaluated: 2024-12-02. Review status: criteria provided, single submitter. Criteria: GeneDx Variant Classification Process June 2021. Collection method: clinical testing. Allele origin: germline. Affected: yes.
Comment: Not observed at significant frequency in large population cohorts (gnomAD); In silico analysis supports that this missense variant does not alter protein structure/function; Has not been previously published as pathogenic or benign to our knowledge; This variant is associated with the following publications: (PMID: 26621531, 27397505)

Labcorp Genetics (formerly Invitae), Labcorp
Classification: Uncertain significance for Developmental and epileptic encephalopathy, 1; Autosomal recessive spinocerebellar ataxia 12. Last evaluated: 2024-11-11. Review status: criteria provided, single submitter. Criteria: Invitae Variant Classification Sherloc (09022015). Collection method: clinical testing. Allele origin: germline.
Comment: This sequence change replaces arginine, which is basic and polar, with glutamine, which is neutral and polar, at codon 408 of the WWOX protein (p.Arg408Gln). This variant is present in population databases (rs765857107, gnomAD 0.008%). This variant has not been reported in the literature in individuals affected with WWOX-related conditions. ClinVar contains an entry for this variant (Variation ID: 570205). An algorithm developed to predict the effect of missense changes on protein structure and function (PolyPhen-2) suggests that this variant¬¨‚Ä†is likely to be tolerated. In summary, the available evidence is currently insufficient to determine the role of this variant in disease. Therefore, it has been classified as a Variant of Uncertain Significance.

Ambry Genetics
Classification: Uncertain significance for Inborn genetic diseases. Last evaluated: 2024-03-07. Review status: criteria provided, single submitter. Criteria: Ambry Variant Classification Scheme 2023. Collection method: clinical testing. Allele origin: germline.

Fulgent Genetics
Classification: Uncertain significance for Malignant tumor of esophagus; Autosomal recessive spinocerebellar ataxia 12; Developmental and epileptic encephalopathy, 28. Last evaluated: 2022-03-18. Review status: criteria provided, single submitter. Criteria: ACMG Guidelines, 2015. Collection method: clinical testing. Allele origin: unknown.

Breakthrough Genomics
Classification: Uncertain significance. Review status: criteria provided, single submitter. Criteria: ACMG Guidelines, 2015. Collection method: not provided. Allele origin: germline. Inheritance: Autosomal recessive inheritance. Affected: yes.

NM_016373.4(WWOX):c.1223G>A (p.Arg408Gln)

Genes: MAF (MAF bZIP transcription factor; minus strand), WWOX (WW domain containing oxidoreductase; plus strand). Cytogenetic location: 16q23.2.
Variant type: single nucleotide variant.
Coding change: c.1223G>A on transcript NM_016373.4 (MANE Select); coding-DNA position 1223, G replaced by A.
Protein change: p.Arg408Gln; replaces arginine 408 with glutamine.
Molecular consequence: missense variant.
Genome position (GRCh38, 1-based): chr16:79,211,774, G>A. VCF-style: chr16-79211774-G-A. GRCh37 (hg19) VCF-style: chr16-79245671-G-A.
Other names: c.884G>A, p.Arg295Gln (NM_001291997.2); c.1223G>A (NM_016373.2); short protein forms R408Q, R295Q.
Identifiers: ClinVar variation 570205 (VCV000570205.11), dbSNP rs765857107, ClinGen allele CA8183800.